The following is an entry in ClinVar:

ClinVar aggregate classification (germline): Uncertain significance. Review status: criteria provided, multiple submitters, no conflicts (2 of 4 stars). 3 submissions from 3 submitters: Uncertain significance (2). 1 of the submissions does not count toward it. Last evaluated 2025-05-25.

Conditions:
Nemaline myopathy 2 (NEM2). Also called: Nemaline myopathy 2, autosomal recessive. Identifiers: MedGen C1850569, MONDO:0009725, OMIM 256030.
Inborn genetic diseases. Identifiers: MedGen C0950123, MeSH D030342.

gnomAD v4.1: 1 of 1,613,884 alleles (0.000062%); no homozygotes.

Submissions (3):

Ambry Genetics
Classification: Uncertain significance for Inborn genetic diseases. Last evaluated: 2025-05-25. Review status: criteria provided, single submitter. Criteria: Ambry Variant Classification Scheme 2023. Collection method: clinical testing. Allele origin: germline.

Labcorp Genetics (formerly Invitae), Labcorp
Classification: Uncertain significance for Nemaline myopathy 2. Last evaluated: 2022-08-09. Review status: criteria provided, single submitter. Criteria: Invitae Variant Classification Sherloc (09022015). Collection method: clinical testing. Allele origin: germline.
Comment: This sequence change replaces proline, which is neutral and non-polar, with arginine, which is basic and polar, at codon 6003 of the NEB protein (p.Pro6003Arg). This variant is not present in population databases (gnomAD no frequency). This variant has not been reported in the literature in individuals affected with NEB-related conditions. ClinVar contains an entry for this variant (Variation ID: 849825). Algorithms developed to predict the effect of missense changes on protein structure and function are either unavailable or do not agree on the potential impact of this missense change (SIFT: "Deleterious"; PolyPhen-2: "Not Available"; Align-GVGD: "Class C0"). In summary, the available evidence is currently insufficient to determine the role of this variant in disease. Therefore, it has been classified as a Variant of Uncertain Significance.

Natera, Inc.
Classification: Uncertain significance for Nemaline myopathy type 2. Last evaluated: 2020-08-07. Review status: no assertion criteria provided. Collection method: clinical testing. Allele origin: germline. Not counted in ClinVar's aggregate classification.

NM_001164508.2(NEB):c.18008C>G (p.Pro6003Arg)

Gene: NEB (nebulin; minus strand). Cytogenetic location: 2q23.3.
Variant type: single nucleotide variant.
Coding change: c.18008C>G on transcript NM_001164508.2 (MANE Select); coding-DNA position 18008, C replaced by G.
Protein change: p.Pro6003Arg; replaces proline 6003 with arginine.
Molecular consequence: missense variant.
Genome position (GRCh38, 1-based): chr2:151,567,316, G>C on the plus strand (C>G on the coding strand, the complement: NEB is on the minus strand). VCF-style: chr2-151567316-G-C. GRCh37 (hg19) VCF-style: chr2-152423830-G-C.
Other names: c.18008C>G, p.Pro6003Arg (NM_001164507.2, NM_001271208.2); c.12905C>G, p.Pro4302Arg (NM_004543.5); c.12905C>G (NM_004543.4); short protein forms P4302R, P6003R.
Identifiers: ClinVar variation 849825 (VCV000849825.11), dbSNP rs2096449520, ClinGen allele CA348803483.